The following is an entry in ClinVar:

NM_005120.3(MED12):c.205-11T>G

Gene: MED12 (mediator complex subunit 12; plus strand). Cytogenetic location: Xq13.1.
Variant type: single nucleotide variant.
Coding change: c.205-11T>G on transcript NM_005120.3 (MANE Select); 11 bases into the intron before coding-DNA position 205, T replaced by G.
Molecular consequence: intron variant.
Genome position (GRCh38, 1-based): chrX:71,119,675, T>G. VCF-style: chrX-71119675-T-G. GRCh37 (hg19) VCF-style: chrX-70339525-T-G.
Identifiers: ClinVar variation 2987436 (VCV002987436.3), dbSNP rs1475582609, ClinGen allele CA877813930.

ClinVar aggregate classification (germline): Uncertain significance (1 of 4 stars; one submission).

Conditions:
FG syndrome (FGS). Identifiers: MedGen C0220769, MONDO:0002010.

Allele frequency attached by ClinVar (database versions not stated): gnomAD exomes below 0.00001; TOPMed 0.00001.

Submission:

Labcorp Genetics (formerly Invitae), Labcorp
Classification: Uncertain significance for FG syndrome. Last evaluated: 2023-03-08. Review status: criteria provided, single submitter. Criteria: Invitae Variant Classification Sherloc (09022015). Collection method: clinical testing. Allele origin: germline.
Comment: In summary, the available evidence is currently insufficient to determine the role of this variant in disease. Therefore, it has been classified as a Variant of Uncertain Significance. Algorithms developed to predict the effect of sequence changes on RNA splicing suggest that this variant may create or strengthen a splice site. This variant has not been reported in the literature in individuals affected with MED12-related conditions. This variant is not present in population databases (gnomAD no frequency). This sequence change falls in intron 2 of the MED12 gene. It does not directly change the encoded amino acid sequence of the MED12 protein.